The following is an entry in ClinVar:

NM_000391.4(TPP1):c.828T>C (p.Asp276=)

Gene: TPP1 (tripeptidyl peptidase 1; minus strand). Cytogenetic location: 11p15.4.
Variant type: single nucleotide variant.
Coding change: c.828T>C on transcript NM_000391.4 (MANE Select); coding-DNA position 828, T replaced by C.
Protein change: p.Asp276=; no amino-acid change (aspartic acid 276 retained).
Molecular consequence: synonymous variant.
Genome position (GRCh38, 1-based): chr11:6,616,719, A>G on the plus strand (T>C on the coding strand, the complement: TPP1 is on the minus strand). VCF-style: chr11-6616719-A-G. GRCh37 (hg19) VCF-style: chr11-6637950-A-G.
Identifiers: ClinVar variation 385925 (VCV000385925.9), dbSNP rs1057522366, ClinGen allele CA16606974.

ClinVar aggregate classification (germline): Likely benign. Review status: criteria provided, multiple submitters, no conflicts (2 of 4 stars). 2 submissions from 2 submitters: Likely benign (2). Last evaluated 2024-01-29.

Allele frequency attached by ClinVar (database versions not stated): gnomAD exomes 0.00001; TOPMed 0.00001.
gnomAD v4.1: 10 of 1,614,028 alleles (0.00062%); highest among the groups gnomAD compares: Non-Finnish European, 0.00076%; no homozygotes.

Submissions (2):

Labcorp Genetics (formerly Invitae), Labcorp
Classification: Likely benign. Last evaluated: 2024-01-29. Review status: criteria provided, single submitter. Criteria: Invitae Variant Classification Sherloc (09022015). Collection method: clinical testing. Allele origin: germline.

GeneDx
Classification: Likely benign. Last evaluated: 2016-05-09. Review status: criteria provided, single submitter. Criteria: GeneDx Variant Classification (06012015). Collection method: clinical testing. Allele origin: germline. Affected: yes.
Comment: This variant is considered likely benign or benign based on one or more of the following criteria: it is a conservative change, it occurs at a poorly conserved position in the protein, it is predicted to be benign by multiple in silico algorithms, and/or has population frequency not consistent with disease.